The following is an entry in ClinVar:

NM_007227.3(GPR45):c.456C>A (p.Ile152=)

Gene: GPR45 (G protein-coupled receptor 45; plus strand). Cytogenetic location: 2q12.1.
Variant type: single nucleotide variant.
Coding change: c.456C>A on transcript NM_007227.3 (MANE Select); coding-DNA position 456, C replaced by A.
Protein change: p.Ile152=; no amino-acid change (isoleucine 152 retained).
Molecular consequence: synonymous variant.
Genome position (GRCh38, 1-based): chr2:105,242,314, C>A. VCF-style: chr2-105242314-C-A. GRCh37 (hg19) VCF-style: chr2-105858771-C-A.
Identifiers: ClinVar variation 3666730 (VCV003666730.2).

ClinVar aggregate classification (germline): Uncertain significance (1 of 4 stars; one submission).

Submission:

Labcorp Genetics (formerly Invitae), Labcorp
Classification: Uncertain significance. Last evaluated: 2024-09-08. Review status: criteria provided, single submitter. Criteria: Invitae Variant Classification Sherloc (09022015). Collection method: clinical testing. Allele origin: germline.
Comment: This sequence change affects codon 152 of the GPR45 mRNA. It is a 'silent' change, meaning that it does not change the encoded amino acid sequence of the GPR45 protein. This variant is not present in population databases (gnomAD no frequency). This variant has not been reported in the literature in individuals affected with GPR45-related conditions. In summary, the available evidence is currently insufficient to determine the role of this variant in disease. Therefore, it has been classified as a Variant of Uncertain Significance.